The following is an entry in ClinVar:

ClinVar aggregate classification (germline): Uncertain significance. Review status: criteria provided, multiple submitters, no conflicts (2 of 4 stars). 2 submissions from 2 submitters: Uncertain significance (2). Last evaluated 2022-07-20.

Allele frequency attached by ClinVar (database versions not stated): TOPMed below 0.00001; gnomAD exomes 0.00001.
gnomAD v4.1: 8 of 1,551,524 alleles (0.00052%); highest among the groups gnomAD compares: Admixed American, 0.002%; no homozygotes.

Submissions (2):

Blueprint Genetics
Classification: Uncertain significance. Last evaluated: 2022-07-20. Review status: criteria provided, single submitter. Criteria: ACMG Guidelines, 2015. Collection method: clinical testing. Allele origin: germline.

Labcorp Genetics (formerly Invitae), Labcorp
Classification: Uncertain significance. Last evaluated: 2022-06-14. Review status: criteria provided, single submitter. Criteria: Invitae Variant Classification Sherloc (09022015). Collection method: clinical testing. Allele origin: germline.
Comment: This sequence change replaces aspartic acid, which is acidic and polar, with histidine, which is basic and polar, at codon 2270 of the EYS protein (p.Asp2270His). This variant is present in population databases (no rsID available, gnomAD 0.004%). This variant has not been reported in the literature in individuals affected with EYS-related conditions. Algorithms developed to predict the effect of missense changes on protein structure and function are either unavailable or do not agree on the potential impact of this missense change (SIFT: "Tolerated"; PolyPhen-2: "Probably Damaging"; Align-GVGD: "Class C0"). In summary, the available evidence is currently insufficient to determine the role of this variant in disease. Therefore, it has been classified as a Variant of Uncertain Significance.

NM_001142800.2(EYS):c.6808G>C (p.Asp2270His)

Gene: EYS (EGF-like photoreceptor maintenance factor; minus strand). Cytogenetic location: 6q12.
Variant type: single nucleotide variant.
Coding change: c.6808G>C on transcript NM_001142800.2 (MANE Select); coding-DNA position 6808, G replaced by C.
Protein change: p.Asp2270His; replaces aspartic acid 2270 with histidine.
Molecular consequence: missense variant.
Genome position (GRCh38, 1-based): chr6:63,999,101, C>G on the plus strand (G>C on the coding strand, the complement: EYS is on the minus strand). VCF-style: chr6-63999101-C-G. GRCh37 (hg19) VCF-style: chr6-64708994-C-G.
Other names: c.6808G>C, p.Asp2270His (NM_001292009.2); short protein forms D2270H.
Identifiers: ClinVar variation 2199917 (VCV002199917.2), dbSNP rs1475402588, ClinGen allele CA364389548.